The following continues an entry in ClinVar:

NM_000371.4(TTR):c.148G>A (p.Val50Met)

Gene: TTR. ClinVar aggregate classification (germline): Pathogenic. Pathogenic (36).

Submissions 37 to 44 of 44:

Clinical Genetics Laboratory, University Hospital Schleswig-Holstein
Classification: Pathogenic for Amyloidosis, hereditary systemic 1. Last evaluated: 2021-03-30. Review status: no assertion criteria provided. Collection method: clinical testing. Allele origin: germline. Affected: yes. Not counted in ClinVar's aggregate classification.

OMIM
Classification: Pathogenic for AMYLOIDOSIS, HEREDITARY SYSTEMIC 1. Last evaluated: 2008-07-01. Review status: no assertion criteria provided. Collection method: literature only. Allele origin: germline. Not counted in ClinVar's aggregate classification.

Clinical Genetics DNA and cytogenetics Diagnostics Lab, Erasmus MC, Erasmus Medical Center
Classification: Pathogenic. Review status: no assertion criteria provided. Collection method: clinical testing. Allele origin: germline. Affected: yes. Study: VKGL Data-share Consensus. Not counted in ClinVar's aggregate classification.

Clinical Genetics, Academic Medical Center
Classification: Pathogenic. Review status: no assertion criteria provided. Collection method: clinical testing. Allele origin: germline. Affected: yes. Study: VKGL Data-share Consensus. Not counted in ClinVar's aggregate classification.

Diagnostic Laboratory, Department of Genetics, University Medical Center Groningen
Classification: Pathogenic. Review status: no assertion criteria provided. Collection method: clinical testing. Allele origin: germline. Affected: yes. Study: VKGL Data-share Consensus. Not counted in ClinVar's aggregate classification.

Genome Diagnostics Laboratory, University Medical Center Utrecht
Classification: Pathogenic. Review status: no assertion criteria provided. Collection method: clinical testing. Allele origin: germline. Affected: yes. Study: VKGL Data-share Consensus. Not counted in ClinVar's aggregate classification.

Joint Genome Diagnostic Labs from Nijmegen and Maastricht, Radboudumc and MUMC+
Classification: Pathogenic. Review status: no assertion criteria provided. Collection method: clinical testing. Allele origin: germline. Affected: yes. Study: VKGL Data-share Consensus. Not counted in ClinVar's aggregate classification.

Laboratory of Diagnostic Genome Analysis, Leiden University Medical Center (LUMC)
Classification: Likely pathogenic. Review status: no assertion criteria provided. Collection method: clinical testing. Allele origin: germline. Affected: yes. Study: VKGL Data-share Consensus. Not counted in ClinVar's aggregate classification.

Literature cited by the submitters: PubMed 6736244 (cited by 5 submitters); PubMed 14673473 (cited by 3 submitters); PubMed 27793437 (cited by 3 submitters); PubMed 30295933 (cited by Ambry Genetics); PubMed 33739616 (cited by Ambry Genetics); PubMed 22620962 (cited by 3 submitters); PubMed 22745357 (cited by 5 submitters); PubMed 23833285 (cited by 3 submitters); PubMed 24455802 (cited by Labcorp Genetics (formerly Invitae), Labcorp and AiLife Diagnostics); PubMed 24555660 (cited by Labcorp Genetics (formerly Invitae), Labcorp and AiLife Diagnostics); PubMed 26115788 (cited by 5 submitters); PubMed 15820680 (cited by 4 submitters); PubMed 23080516 (cited by Labcorp Genetics (formerly Invitae), Labcorp and AiLife Diagnostics); PubMed 24601850 (cited by 3 submitters); PubMed 25550818 (cited by 4 submitters); PubMed 25519307 (cited by 3billion and Dasa); PubMed 1520326 (cited by 3billion); PubMed 26088020 (cited by 3billion and Dasa); PubMed 20301373 (cited by 4 submitters); PubMed 18606975 (cited by Athena Diagnostics and AiLife Diagnostics); PubMed 19808383 (cited by 3 submitters); PubMed 20209591 (cited by Athena Diagnostics and AiLife Diagnostics); PubMed 2714785 (cited by Athena Diagnostics and OMIM); PubMed 35717381 (cited by Athena Diagnostics); PubMed 35903975 (cited by Athena Diagnostics); PubMed 14640030 (cited by Athena Diagnostics and Laboratory for Molecular Medicine, Mass General Brigham Personalized Medicine); PubMed 17503405 (cited by 5 submitters); PubMed 24800914 (cited by 5 submitters); PubMed 24164154 (cited by Athena Diagnostics and AiLife Diagnostics); PubMed 24046394 (cited by Athena Diagnostics and AiLife Diagnostics); PubMed 24474780 (cited by Athena Diagnostics and AiLife Diagnostics); PubMed 22382560 (cited by Athena Diagnostics and AiLife Diagnostics); PubMed 23993291 (cited by Athena Diagnostics and AiLife Diagnostics); PubMed 19364362 (cited by Athena Diagnostics and AiLife Diagnostics); PubMed 23387326 (cited by Athena Diagnostics and AiLife Diagnostics); PubMed 34024024 (cited by Clinical Genomics Laboratory, Stanford Medicine); PubMed 35730447 (cited by Clinical Genomics Laboratory, Stanford Medicine); PubMed 11409034 (cited by Clinical Genomics Laboratory, Stanford Medicine); PubMed 18506713 (cited by Clinical Genomics Laboratory, Stanford Medicine and AiLife Diagnostics); PubMed 27589730 (cited by Clinical Genomics Laboratory, Stanford Medicine and AiLife Diagnostics); PubMed 30572722 (cited by AiLife Diagnostics); PubMed 32674397 (cited by AiLife Diagnostics); PubMed 26096568 (cited by AiLife Diagnostics); PubMed 31919945 (cited by AiLife Diagnostics); PubMed 31589614 (cited by AiLife Diagnostics); PubMed 19602727 (cited by AiLife Diagnostics); PubMed 32269295 (cited by AiLife Diagnostics); PubMed 24101130 (cited by AiLife Diagnostics); PubMed 26104852 (cited by AiLife Diagnostics); PubMed 29540472 (cited by AiLife Diagnostics); PubMed 31718691 (cited by AiLife Diagnostics); PubMed 18925456 (cited by 3 submitters); PubMed 26513367 (cited by AiLife Diagnostics); PubMed 28635949 (cited by AiLife Diagnostics); PubMed 31343348 (cited by AiLife Diagnostics); PubMed 30243104 (cited by AiLife Diagnostics); PubMed 29520877 (cited by AiLife Diagnostics); PubMed 33373035 (cited by AiLife Diagnostics); PubMed 30019395 (cited by AiLife Diagnostics); PubMed 22592564 (cited by AiLife Diagnostics); PubMed 31371117 (cited by AiLife Diagnostics); PubMed 26521788 (cited by AiLife Diagnostics); PubMed 32852783 (cited by AiLife Diagnostics); PubMed 11523162 (cited by AiLife Diagnostics); PubMed 32893242 (cited by AiLife Diagnostics); PubMed 26115039 (cited by AiLife Diagnostics); PubMed 30213731 (cited by AiLife Diagnostics); PubMed 3762958 (cited by AiLife Diagnostics); PubMed 18276611 (cited by AiLife Diagnostics); PubMed 33726816 (cited by AiLife Diagnostics); PubMed 26017327 (cited by AiLife Diagnostics); PubMed 22531659 (cited by AiLife Diagnostics); PubMed 32528171 (cited by AiLife Diagnostics); PubMed 26587769 (cited by AiLife Diagnostics); PubMed 32880476 (cited by AiLife Diagnostics); PubMed 28475415 (cited by AiLife Diagnostics); PubMed 32399692 (cited by AiLife Diagnostics); PubMed 32376792 (cited by AiLife Diagnostics); PubMed 25525159 (cited by AiLife Diagnostics); PubMed 1570831 (cited by Johns Hopkins Genomics, Johns Hopkins University and OMIM); PubMed 1992765 (cited by 3 submitters); PubMed 8064809 (cited by 3 submitters); PubMed 30328212 (cited by Dasa); PubMed 8830175 (cited by Dasa); PubMed 11940682 (cited by Laboratory for Molecular Medicine, Mass General Brigham Personalized Medicine); PubMed 15249622 (cited by Laboratory for Molecular Medicine, Mass General Brigham Personalized Medicine); PubMed 16194875 (cited by Laboratory for Molecular Medicine, Mass General Brigham Personalized Medicine); PubMed 16194874 (cited by Laboratory for Molecular Medicine, Mass General Brigham Personalized Medicine); PubMed 11709003 (cited by Laboratory for Molecular Medicine, Mass General Brigham Personalized Medicine and OMIM); PubMed 15185492 (cited by Laboratory for Molecular Medicine, Mass General Brigham Personalized Medicine); PubMed 11385707 (cited by Laboratory for Molecular Medicine, Mass General Brigham Personalized Medicine); PubMed 14986482 (cited by Laboratory for Molecular Medicine, Mass General Brigham Personalized Medicine); PubMed 8071954 (cited by Laboratory for Molecular Medicine, Mass General Brigham Personalized Medicine); PubMed 17698792 (cited by Laboratory for Molecular Medicine, Mass General Brigham Personalized Medicine); PubMed 19709674 (cited by Laboratory for Molecular Medicine, Mass General Brigham Personalized Medicine); PubMed 10529370 (cited by Women's Health and Genetics/Laboratory Corporation of America, LabCorp); PubMed 15123043 (cited by Women's Health and Genetics/Laboratory Corporation of America, LabCorp); Benson, M. D. Characterization of an amyloid fibril protein in heredofamilial amyloidosis. (Abstract) Clin. Res. 28: 340A, 1980. (cited by OMIM); PubMed 5799493 (cited by OMIM); PubMed 6208668 (cited by OMIM); Lourenco, R. V. Personal Communication. 1980. Chicago, Ill. (cited by OMIM); PubMed 3908483 (cited by OMIM); PubMed 6651852 (cited by OMIM); PubMed 6583672 (cited by OMIM); PubMed 6782125 (cited by OMIM); PubMed 2237288 (cited by OMIM); PubMed 4138132 (cited by OMIM); PubMed 5507249 (cited by OMIM); PubMed 192115 (cited by OMIM); PubMed 2896079 (cited by OMIM); PubMed 8100581 (cited by OMIM); PubMed 5652991 (cited by OMIM); PubMed 4354899 (cited by OMIM); PubMed 7389759 (cited by OMIM); PubMed 3022107 (cited by OMIM); PubMed 3022697 (cited by OMIM); PubMed 3479441 (cited by OMIM); PubMed 8778271 (cited by OMIM); PubMed 15523922 (cited by OMIM); PubMed 2624269 (cited by OMIM); PubMed 10506096 (cited by OMIM); PubMed 8194279 (cited by OMIM); PubMed 1353008 (cited by OMIM); PubMed 1490495 (cited by OMIM); PubMed 12433265 (cited by OMIM); PubMed 6311926 (cited by OMIM); PubMed 2564060 (cited by OMIM); PubMed 6549130 (cited by OMIM); PubMed 2856994 (cited by OMIM); PubMed 6087811 (cited by OMIM); PubMed 2857043 (cited by OMIM); PubMed 3457802 (cited by OMIM); Benson, M. D. Personal Communication. 1988. Indianapolis, Ind. (cited by OMIM); PubMed 6100724 (cited by OMIM); PubMed 3011930 (cited by OMIM); PubMed 4079954 (cited by OMIM); PubMed 3022108 (cited by OMIM); PubMed 1977686 (cited by OMIM); PubMed 1867256 (cited by OMIM); PubMed 3229002 (cited by OMIM); PubMed 1997217 (cited by OMIM); PubMed 15930086 (cited by OMIM); PubMed 18460047 (cited by OMIM); PubMed 7839813 (cited by OMIM); PubMed 8857732 (cited by OMIM); PubMed 9215058 (cited by OMIM); PubMed 1547960 (cited by OMIM); PubMed 12050338 (cited by OMIM); PubMed 12617705 (cited by OMIM); PubMed 12566023 (cited by OMIM); PubMed 10453736 (cited by OMIM); PubMed 8563114 (cited by OMIM); PubMed 9475090 (cited by OMIM); PubMed 18863976 (cited by OMIM); PubMed 10465115 (cited by OMIM).